The following is an entry in ClinVar:

ClinVar aggregate classification (germline): Conflicting classifications of pathogenicity. Review status: criteria provided, conflicting classifications (1 of 4 stars). 11 submissions from 11 submitters: Uncertain significance (9); Benign (1). 1 of the submissions does not count toward it. Last evaluated 2026-01-20.

Conditions:
Inborn genetic diseases. Identifiers: MedGen C0950123, MeSH D030342.
Autosomal recessive limb-girdle muscular dystrophy type 2B (LGMDR2). Also called: MUSCULAR DYSTROPHY, LIMB-GIRDLE, TYPE 3; Limb-Girdle Muscular Dystrophy Type 2B (LGMD2B); Limb-girdle muscular dystrophy, type 2B; MUSCULAR DYSTROPHY, LIMB-GIRDLE, AUTOSOMAL RECESSIVE 2. Identifiers: Orphanet 268, MedGen C1850889, MONDO:0009676, OMIM 253601.
Miyoshi muscular dystrophy 1 (MMD1). Identifiers: Orphanet 45448, MedGen C4551973, MONDO:0024545, OMIM 254130.
Distal myopathy with anterior tibial onset. Identifiers: Orphanet 178400, MedGen C1847532, MONDO:0011721, OMIM 606768.
Neuromuscular disease caused by qualitative or quantitative defects of dysferlin. Also called: Dysferlinopathy; Qualitative or quantitative defects of dysferlin. Identifiers: Orphanet 207073, MedGen C2931687, MONDO:0016145.

Allele frequency attached by ClinVar (database versions not stated): ExAC 0.00009; TOPMed 0.00010; gnomAD exomes 0.00011 and 0.00014; gnomAD 0.00013 and 0.00014; ESP Exome Variant Server 0.00015.

Submissions (11):

Labcorp Genetics (formerly Invitae), Labcorp
Classification: Benign for Neuromuscular disease caused by qualitative or quantitative defects of dysferlin. Last evaluated: 2026-01-20. Review status: criteria provided, single submitter. Criteria: Invitae Variant Classification Sherloc (09022015). Collection method: clinical testing. Allele origin: germline.

GeneDx
Classification: Uncertain significance. Last evaluated: 2025-09-19. Review status: criteria provided, single submitter. Criteria: GeneDx Variant Classification Process June 2021. Collection method: clinical testing. Allele origin: germline. Affected: yes.
Comment: Reported previously, using alternate nomenclature and with a second variant (phase unknown), in a patient with high CK, ptosis, and myopathy on EMG (PMID: 37510298); In silico analysis supports that this missense variant has a deleterious effect on protein structure/function; This variant is associated with the following publications: (PMID: 24438169, 37510298, 18853459, 25868377, 27666772, 30919934, 16010686, 33610434, 33715265)

Revvity Omics, Revvity
Classification: Uncertain significance. Last evaluated: 2024-11-14. Review status: criteria provided, single submitter. Criteria: ACMG Guidelines, 2015. Collection method: clinical testing. Allele origin: germline.

Athena Diagnostics
Classification: Uncertain significance. Last evaluated: 2023-08-17. Review status: criteria provided, single submitter. Criteria: Athena Diagnostics Criteria. Collection method: clinical testing. Allele origin: unknown.
Comment: Available data are insufficient to determine the clinical significance of the variant at this time. The available data on the frequency of this variant in large general population databases was not informative towards the evaluation of its pathogenicity. Computational tools disagree on the variant's effect on normal protein function.

Blueprint Genetics
Classification: Uncertain significance. Last evaluated: 2023-06-02. Review status: criteria provided, single submitter. Criteria: ACMG Guidelines, 2015. Collection method: clinical testing. Allele origin: germline.

Fulgent Genetics
Classification: Uncertain significance for Autosomal recessive limb-girdle muscular dystrophy type 2B; Miyoshi muscular dystrophy 1; Distal myopathy with anterior tibial onset. Last evaluated: 2021-08-03. Review status: criteria provided, single submitter. Criteria: ACMG Guidelines, 2015. Collection method: clinical testing. Allele origin: unknown.

Ambry Genetics
Classification: Uncertain significance for Inborn genetic diseases. Last evaluated: 2021-07-20. Review status: criteria provided, single submitter. Criteria: Ambry Variant Classification Scheme 2023. Collection method: clinical testing. Allele origin: germline.

Illumina Laboratory Services, Illumina
Classification: Uncertain significance for Qualitative or quantitative defects of dysferlin. Last evaluated: 2017-04-28. Review status: criteria provided, single submitter. Criteria: ICSL Variant Classification Criteria 13 December 2019. Collection method: clinical testing. Allele origin: germline.

CeGaT Center for Human Genetics Tuebingen
Classification: Uncertain significance. Last evaluated: 2016-10-01. Review status: criteria provided, single submitter. Criteria: CeGaT Center For Human Genetics Tuebingen Variant Classification Criteria Version 2. Collection method: clinical testing. Allele origin: germline. Affected: yes. Observed: 1 variant allele.

Eurofins Ntd Llc (ga)
Classification: Uncertain significance. Last evaluated: 2015-10-06. Review status: criteria provided, single submitter. Criteria: EGL Classification Definitions 2015. Collection method: clinical testing. Allele origin: germline. Observed: 1 variant allele, 1 heterozygote.

Natera, Inc.
Classification: Uncertain significance for Limb-girdle muscular dystrophy type 2B. Last evaluated: 2020-02-03. Review status: no assertion criteria provided. Collection method: clinical testing. Allele origin: germline. Not counted in ClinVar's aggregate classification.

NM_001130987.2(DYSF):c.854G>A (p.Arg285Gln)

Gene: DYSF (dysferlin; plus strand). Cytogenetic location: 2p13.2.
Variant type: single nucleotide variant.
Coding change: c.854G>A on transcript NM_001130987.2 (MANE Select); coding-DNA position 854, G replaced by A.
Protein change: p.Arg285Gln; replaces arginine 285 with glutamine.
Molecular consequence: missense variant.
Genome position (GRCh38, 1-based): chr2:71,515,717, G>A. VCF-style: chr2-71515717-G-A. GRCh37 (hg19) VCF-style: chr2-71742847-G-A.
Other names: c.761G>A, p.Arg254Gln (NM_001130455.2, NM_001130983.2, NM_001130984.2 and 1 more transcripts); c.758G>A, p.Arg253Gln (NM_001130976.2, NM_001130977.2, NM_001130978.2 and 1 more transcripts); c.851G>A, p.Arg284Gln (NM_001130979.2, NM_001130980.2, NM_001130981.2); c.854G>A, p.Arg285Gln (NM_001130982.2, NM_001130985.2); short protein forms R253Q, R285Q, R254Q, R284Q.
Identifiers: ClinVar variation 283965 (VCV000283965.66), dbSNP rs140002194, ClinGen allele CA1705480.